The following is an entry in ClinVar:

NM_016077.5(PTRH2):c.-37G>A

Gene: PTRH2 (peptidyl-tRNA hydrolase 2; minus strand). Cytogenetic location: 17q23.1.
Variant type: single nucleotide variant.
Coding change: c.-37G>A on transcript NM_016077.5 (MANE Select); 37 bases upstream of the start codon, G replaced by A.
Molecular consequence: 5 prime UTR variant.
Genome position (GRCh38, 1-based): chr17:59,707,407, C>T on the plus strand (G>A on the coding strand, the complement: PTRH2 is on the minus strand). VCF-style: chr17-59707407-C-T. GRCh37 (hg19) VCF-style: chr17-57784768-C-T.
Other names: c.-1353G>A (NM_001015509.3).
Identifiers: ClinVar variation 383506 (VCV000383506.1), dbSNP rs548846183, ClinGen allele CA16607731.

ClinVar aggregate classification (germline): Likely benign (1 of 4 stars; one submission).

Allele frequency attached by ClinVar (database versions not stated): gnomAD 0.00048; TOPMed 0.00065; 1000 Genomes Project 30x 0.00078; 1000 Genomes Project 0.00080.

Submission:

GeneDx
Classification: Likely benign. Last evaluated: 2016-03-07. Review status: criteria provided, single submitter. Criteria: GeneDx Variant Classification (06012015). Collection method: clinical testing. Allele origin: germline. Affected: yes.
Comment: This variant is considered likely benign or benign based on one or more of the following criteria: it is a conservative change, it occurs at a poorly conserved position in the protein, it is predicted to be benign by multiple in silico algorithms, and/or has population frequency not consistent with disease.